The following is an entry in ClinVar:

ClinVar aggregate classification (germline): Pathogenic (1 of 4 stars; one submission).

Conditions:
Nephronophthisis 16 (NPHP16). Identifiers: Orphanet 655, MedGen C3809320, MONDO:0014158, OMIM 615382.

Submission:

Labcorp Genetics (formerly Invitae), Labcorp
Classification: Pathogenic for Nephronophthisis 16. Last evaluated: 2022-10-09. Review status: criteria provided, single submitter. Criteria: Invitae Variant Classification Sherloc (09022015). Collection method: clinical testing. Allele origin: germline.
Comment: For these reasons, this variant has been classified as Pathogenic. This variant has not been reported in the literature in individuals affected with ANKS6-related conditions. This variant is not present in population databases (gnomAD no frequency). This sequence change creates a premature translational stop signal (p.Ala64Serfs*72) in the ANKS6 gene. It is expected to result in an absent or disrupted protein product. Loss-of-function variants in ANKS6 are known to be pathogenic (PMID: 23793029, 25599650).

Literature cited by the submitters: PubMed 23793029; PubMed 25599650.

NM_173551.5(ANKS6):c.189_190del (p.Ala64fs)

Gene: ANKS6 (ankyrin repeat and sterile alpha motif domain containing 6; minus strand). Cytogenetic location: 9q22.33.
Variant type: Deletion.
Coding change: c.189_190del on transcript NM_173551.5 (MANE Select); coding-DNA positions 189 to 190, 2 bases deleted (GG; older notation c.189_190delGG).
Protein change: p.Ala64fs; shifts the reading frame from alanine 64.
Molecular consequence: frameshift variant.
Genome position (GRCh38, 1-based): chr9:98,796,302-98,796,303, CC deleted on the plus strand (GG on the coding strand, the reverse complement: ANKS6 is on the minus strand); deleting any 2 consecutive bases within chr9:98,796,302-98,796,306 gives the same sequence; the c. name uses the placement nearest the transcript's 3' end. VCF-style (leftmost placement, unchanged base first): chr9-98796301-GCC-G. GRCh37 (hg19) VCF-style: chr9-101558583-GCC-G.
Other names: short protein forms A64fs.
Identifiers: ClinVar variation 2881274 (VCV002881274.3), dbSNP rs1009311413, ClinGen allele CA2690947778.